The following is an entry in ClinVar:

ClinVar aggregate classification (germline): Uncertain significance. Review status: criteria provided, multiple submitters, no conflicts (2 of 4 stars). 2 submissions from 2 submitters: Uncertain significance (2). Last evaluated 2025-04-28.

Submissions (2):

Ambry Genetics
Classification: Uncertain significance. Last evaluated: 2025-04-28. Review status: criteria provided, single submitter. Criteria: Ambry Variant Classification Scheme 2023. Collection method: clinical testing. Allele origin: germline.

Labcorp Genetics (formerly Invitae), Labcorp
Classification: Uncertain significance. Last evaluated: 2022-05-20. Review status: criteria provided, single submitter. Criteria: Invitae Variant Classification Sherloc (09022015). Collection method: clinical testing. Allele origin: germline.
Comment: This variant is not present in population databases (gnomAD no frequency). This sequence change replaces glycine, which is neutral and non-polar, with serine, which is neutral and polar, at codon 117 of the RECQL protein (p.Gly117Ser). This variant has not been reported in the literature in individuals affected with RECQL-related conditions. Algorithms developed to predict the effect of missense changes on protein structure and function are either unavailable or do not agree on the potential impact of this missense change (SIFT: "Tolerated"; PolyPhen-2: "Probably Damaging"; Align-GVGD: "Class C0"). In summary, the available evidence is currently insufficient to determine the role of this variant in disease. Therefore, it has been classified as a Variant of Uncertain Significance.

NM_002907.4(RECQL):c.349G>A (p.Gly117Ser)

Gene: RECQL (RecQ like helicase; minus strand). Cytogenetic location: 12p12.1.
Variant type: single nucleotide variant.
Coding change: c.349G>A on transcript NM_002907.4 (MANE Select); coding-DNA position 349, G replaced by A.
Protein change: p.Gly117Ser; replaces glycine 117 with serine.
Molecular consequence: missense variant.
Genome position (GRCh38, 1-based): chr12:21,490,244, C>T on the plus strand (G>A on the coding strand, the complement: RECQL is on the minus strand). VCF-style: chr12-21490244-C-T. GRCh37 (hg19) VCF-style: chr12-21643178-C-T.
Other names: c.349G>A, p.Gly117Ser (NM_032941.3); c.349G>A (NM_002907.3); short protein forms G117S.
Identifiers: ClinVar variation 2419719 (VCV002419719.7), dbSNP rs1343645228, ClinGen allele CA384132467.